The following is an entry in ClinVar:

ClinVar aggregate classification (germline): Uncertain significance (1 of 4 stars; one submission).

Submission:

Ambry Genetics
Classification: Uncertain significance. Last evaluated: 2026-02-19. Review status: criteria provided, single submitter. Criteria: Ambry Variant Classification Scheme 2023. Collection method: clinical testing. Allele origin: germline.
Comment: The p.D595Y variant (also known as c.1783G>T), located in coding exon 8 of the RNF43 gene, results from a G to T substitution at nucleotide position 1783. The aspartic acid at codon 595 is replaced by tyrosine, an amino acid with highly dissimilar properties. This amino acid position is conserved. In addition, this alteration is predicted to be tolerated by in silico analysis. Based on the available evidence, the clinical significance of this variant remains unclear.

NM_017763.6(RNF43):c.1783G>T (p.Asp595Tyr)

Gene: RNF43 (ring finger protein 43; minus strand). Cytogenetic location: 17q22.
Variant type: single nucleotide variant.
Coding change: c.1783G>T on transcript NM_017763.6 (MANE Select); coding-DNA position 1783, G replaced by T.
Protein change: p.Asp595Tyr; replaces aspartic acid 595 with tyrosine.
Molecular consequence: missense variant.
Genome position (GRCh38, 1-based): chr17:58,357,993, C>A on the plus strand (G>T on the coding strand, the complement: RNF43 is on the minus strand). VCF-style: chr17-58357993-C-A. GRCh37 (hg19) VCF-style: chr17-56435354-C-A.
Other names: c.1783G>T, p.Asp595Tyr (NM_001305544.3, NM_001438820.1, NM_001438821.1 and 1 more transcripts); c.1402G>T, p.Asp468Tyr (NM_001305545.2, NM_001437987.1); short protein forms D468Y, D595Y.
Identifiers: ClinVar variation 4844786 (VCV004844786.1).